The following is an entry in ClinVar:

NM_000168.6(GLI3):c.4524C>T (p.Ala1508=)

Gene: GLI3 (GLI family zinc finger 3; minus strand). Cytogenetic location: 7p14.1.
Variant type: single nucleotide variant.
Coding change: c.4524C>T on transcript NM_000168.6 (MANE Select); coding-DNA position 4524, C replaced by T.
Protein change: p.Ala1508=; no amino-acid change (alanine 1508 retained).
Molecular consequence: synonymous variant.
Genome position (GRCh38, 1-based): chr7:41,964,549, G>A on the plus strand (C>T on the coding strand, the complement: GLI3 is on the minus strand). VCF-style: chr7-41964549-G-A. GRCh37 (hg19) VCF-style: chr7-42004147-G-A.
Identifiers: ClinVar variation 360222 (VCV000360222.15), dbSNP rs201112421, ClinGen allele CA4230121.

ClinVar aggregate classification (germline): Benign/Likely benign. Review status: criteria provided, multiple submitters, no conflicts (2 of 4 stars). 6 submissions from 4 submitters: Benign (3); Likely benign (3). Last evaluated 2025-05-19.

Conditions:
Polydactyly, postaxial, type A1. Identifiers: MedGen C4282400, MONDO:0008266, OMIM 174200.
Pallister-Hall syndrome (PHS). Also called: HYPOTHALAMIC HAMARTOBLASTOMA, HYPOPITUITARISM, IMPERFORATE ANUS, AND POSTAXIAL POLYDACTYLY; GLI3-Related Pallister-Hall Syndrome. Identifiers: Orphanet 672, MedGen C0265220, MONDO:0007804, OMIM 146510.
Polysyndactyly 4. Also called: Polysyndactyly uncomplicated; Preaxial polydactyly 4. Identifiers: Orphanet 93338, MedGen C1868111, MONDO:0008272, OMIM 174700.
Greig cephalopolysyndactyly syndrome (GCPS). Also called: POLYSYNDACTYLY WITH PECULIAR SKULL SHAPE; GLI3-Related Greig Cephalopolysyndactyly Syndrome; Greig syndrome. Identifiers: Orphanet 380, MedGen C0265306, MONDO:0008287, OMIM 175700.
Polydactyly. Also called: polydactylism. Identifiers: MedGen C0152427, MONDO:0021003, OMIM 603596, HP:0010442.

Allele frequency attached by ClinVar (database versions not stated): gnomAD exomes 0.00001 and 0.00007; ExAC 0.00006; gnomAD 0.00007 and 0.00009; TOPMed 0.00007; 1000 Genomes Project 0.00020; 1000 Genomes Project 30x 0.00031.
gnomAD v4.1: 60 of 1,613,816 alleles (0.0037%); highest among the groups gnomAD compares: East Asian, 0.049%; 1 homozygote.

Submissions (6):

Labcorp Genetics (formerly Invitae), Labcorp
Classification: Likely benign for Pallister-Hall syndrome; Greig cephalopolysyndactyly syndrome. Last evaluated: 2025-05-19. Review status: criteria provided, single submitter. Criteria: Invitae Variant Classification Sherloc (09022015). Collection method: clinical testing. Allele origin: germline.

Blueprint Genetics
Classification: Likely benign. Last evaluated: 2024-11-25. Review status: criteria provided, single submitter. Criteria: ACMG Guidelines, 2015. Collection method: clinical testing. Allele origin: germline.

Fulgent Genetics
Classification: Likely benign for Pallister-Hall syndrome; Polydactyly, postaxial, type A1; Polysyndactyly 4; Greig cephalopolysyndactyly syndrome. Last evaluated: 2021-11-18. Review status: criteria provided, single submitter. Criteria: ACMG Guidelines, 2015. Collection method: clinical testing. Allele origin: unknown.

Illumina Laboratory Services, Illumina
Classification: Benign for Greig cephalopolysyndactyly syndrome. Last evaluated: 2018-01-13. Review status: criteria provided, single submitter. Criteria: ICSL Variant Classification Criteria 13 December 2019. Collection method: clinical testing. Allele origin: germline.
Comment: This variant was observed in the ICSL laboratory as part of a predisposition screen in an ostensibly healthy population. It had not been previously curated by ICSL or reported in the Human Gene Mutation Database (HGMD: prior to June 1st, 2018), and was therefore a candidate for classification through an automated scoring system. Utilizing variant allele frequency, disease prevalence and penetrance estimates, and inheritance mode, an automated score was calculated to assess if this variant is too frequent to cause the disease. Based on the score and internal cut-off values, a variant classified as benign is not then subjected to further curation. The score for this variant resulted in a classification of benign for this disease.

Illumina Laboratory Services, Illumina
Classification: Benign for Pallister-Hall syndrome. Last evaluated: 2018-01-13. Review status: criteria provided, single submitter. Criteria: ICSL Variant Classification Criteria 13 December 2019. Collection method: clinical testing. Allele origin: germline.
Comment: the same text as in the submission from Illumina Laboratory Services, Illumina above.

Illumina Laboratory Services, Illumina
Classification: Benign for Polydactyly. Last evaluated: 2018-01-13. Review status: criteria provided, single submitter. Criteria: ICSL Variant Classification Criteria 13 December 2019. Collection method: clinical testing. Allele origin: germline.
Comment: the same text as in the submission from Illumina Laboratory Services, Illumina above.